The following is an entry in ClinVar:

ClinVar aggregate classification (germline): Uncertain significance (1 of 4 stars; one submission).

Conditions:
Charcot-Marie-Tooth disease, type I (CMT1). Also called: Charcot-Marie-Tooth, Type 1; Charcot-Marie-Tooth disease type 1. Identifiers: Orphanet 65753, MedGen C0751036, MONDO:0019011.

Submission:

Labcorp Genetics (formerly Invitae), Labcorp
Classification: Uncertain significance for Charcot-Marie-Tooth disease, type I. Last evaluated: 2020-07-29. Review status: criteria provided, single submitter. Criteria: Invitae Variant Classification Sherloc (09022015). Collection method: clinical testing. Allele origin: germline.
Comment: This sequence change replaces lysine with glutamine at codon 138 of the MPZ protein (p.Lys138Gln). The lysine residue is highly conserved and there is a small physicochemical difference between lysine and glutamine. This variant is not present in population databases (ExAC no frequency). This variant has not been reported in the literature in individuals with MPZ-related conditions. Algorithms developed to predict the effect of missense changes on protein structure and function (SIFT, PolyPhen-2, Align-GVGD) all suggest that this variant is likely to be tolerated, but these predictions have not been confirmed by published functional studies and their clinical significance is uncertain. In summary, the available evidence is currently insufficient to determine the role of this variant in disease. Therefore, it has been classified as a Variant of Uncertain Significance.

NM_000530.8(MPZ):c.412A>C (p.Lys138Gln)

Gene: MPZ (myelin protein zero; minus strand). Cytogenetic location: 1q23.3.
Variant type: single nucleotide variant.
Coding change: c.412A>C on transcript NM_000530.8 (MANE Select); coding-DNA position 412, A replaced by C.
Protein change: p.Lys138Gln; replaces lysine 138 with glutamine.
Molecular consequence: missense variant.
Genome position (GRCh38, 1-based): chr1:161,306,744, T>G on the plus strand (A>C on the coding strand, the complement: MPZ is on the minus strand). VCF-style: chr1-161306744-T-G. GRCh37 (hg19) VCF-style: chr1-161276534-T-G.
Other names: c.412A>C, p.Lys138Gln (NM_001315491.2); short protein forms K138Q.
Identifiers: ClinVar variation 1017935 (VCV001017935.8), dbSNP rs1571818721, ClinGen allele CA343348565.